The following is an entry in ClinVar:

ClinVar aggregate classification (germline): Uncertain significance (1 of 4 stars; one submission).

Allele frequency attached by ClinVar (database versions not stated): gnomAD 0.00001; ExAC 0.00012.
gnomAD v4.1: 19 of 1,562,066 alleles (0.0012%); highest among the groups gnomAD compares: South Asian, 0.022%; no homozygotes.

Submission:

Labcorp Genetics (formerly Invitae), Labcorp
Classification: Uncertain significance. Last evaluated: 2024-11-30. Review status: criteria provided, single submitter. Criteria: Invitae Variant Classification Sherloc (09022015). Collection method: clinical testing. Allele origin: germline.
Comment: This sequence change replaces arginine, which is basic and polar, with glutamine, which is neutral and polar, at codon 324 of the WNT3A protein (p.Arg324Gln). The frequency data for this variant in the population databases is considered unreliable, as metrics indicate poor data quality at this position in the gnomAD database. This variant has not been reported in the literature in individuals affected with WNT3A-related conditions. ClinVar contains an entry for this variant (Variation ID: 1939713). Invitae Evidence Modeling of protein sequence and biophysical properties (such as structural, functional, and spatial information, amino acid conservation, physicochemical variation, residue mobility, and thermodynamic stability) indicates that this missense variant is not expected to disrupt WNT3A protein function with a negative predictive value of 80%. In summary, the available evidence is currently insufficient to determine the role of this variant in disease. Therefore, it has been classified as a Variant of Uncertain Significance.

NM_033131.4(WNT3A):c.971G>A (p.Arg324Gln)

Gene: WNT3A (Wnt family member 3A; plus strand). Cytogenetic location: 1q42.13.
Variant type: single nucleotide variant.
Coding change: c.971G>A on transcript NM_033131.4 (MANE Select); coding-DNA position 971, G replaced by A.
Protein change: p.Arg324Gln; replaces arginine 324 with glutamine.
Molecular consequence: missense variant.
Genome position (GRCh38, 1-based): chr1:228,059,377, G>A. VCF-style: chr1-228059377-G-A. GRCh37 (hg19) VCF-style: chr1-228247078-G-A.
Other names: short protein forms R324Q.
Identifiers: ClinVar variation 1939713 (VCV001939713.5), dbSNP rs751711828, ClinGen allele CA1429563.